The following is an entry in ClinVar:

NM_003924.4(PHOX2B):c.676G>A (p.Ala226Thr)

Gene: PHOX2B (paired like homeobox 2B; minus strand). Cytogenetic location: 4p13.
Variant type: single nucleotide variant.
Coding change: c.676G>A on transcript NM_003924.4 (MANE Select); coding-DNA position 676, G replaced by A.
Protein change: p.Ala226Thr; replaces alanine 226 with threonine.
Molecular consequence: missense variant.
Genome position (GRCh38, 1-based): chr4:41,746,076, C>T on the plus strand (G>A on the coding strand, the complement: PHOX2B is on the minus strand). VCF-style: chr4-41746076-C-T. GRCh37 (hg19) VCF-style: chr4-41748093-C-T.
Other names: short protein forms A226T.
Identifiers: ClinVar variation 826611 (VCV000826611.14), dbSNP rs936469212, ClinGen allele CA95828509.

ClinVar aggregate classification (germline): Uncertain significance. Review status: criteria provided, multiple submitters, no conflicts (2 of 4 stars). 2 submissions from 2 submitters: Uncertain significance (2). Last evaluated 2024-08-10.

Conditions:
Hereditary cancer-predisposing syndrome. Also called: Neoplastic Syndromes, Hereditary; Tumor predisposition; Hereditary neoplastic syndrome; Hereditary Cancer Syndrome. Identifiers: Orphanet 140162, MedGen C0027672, MeSH D009386, MONDO:0015356.
Haddad syndrome (OHD). Also called: Ondine-Hirschsprung disease. Identifiers: Orphanet 99803, MedGen C1859049, MONDO:0020493.

Allele frequency attached by ClinVar (database versions not stated): TOPMed below 0.00001; gnomAD exomes 0.00001.
gnomAD v4.1: 15 of 1,478,730 alleles (0.001%); highest among the groups gnomAD compares: Admixed American, 0.0022%; no homozygotes.

Submissions (2):

Ambry Genetics
Classification: Uncertain significance for Hereditary cancer-predisposing syndrome. Last evaluated: 2024-08-10. Review status: criteria provided, single submitter. Criteria: Ambry Variant Classification Scheme 2023. Collection method: clinical testing. Allele origin: germline.
Comment: The p.A226T variant (also known as c.676G>A), located in coding exon 3 of the PHOX2B gene, results from a G to A substitution at nucleotide position 676. The alanine at codon 226 is replaced by threonine, an amino acid with similar properties. This amino acid position is not well conserved in available vertebrate species. In addition, this alteration is predicted to be tolerated by in silico analysis. Since supporting evidence is limited at this time, the clinical significance of this alteration remains unclear.

Labcorp Genetics (formerly Invitae), Labcorp
Classification: Uncertain significance for Haddad syndrome. Last evaluated: 2023-09-06. Review status: criteria provided, single submitter. Criteria: Invitae Variant Classification Sherloc (09022015). Collection method: clinical testing. Allele origin: germline.
Comment: In summary, the available evidence is currently insufficient to determine the role of this variant in disease. Therefore, it has been classified as a Variant of Uncertain Significance. Advanced modeling of protein sequence and biophysical properties (such as structural, functional, and spatial information, amino acid conservation, physicochemical variation, residue mobility, and thermodynamic stability) performed at Invitae indicates that this missense variant is not expected to disrupt PHOX2B protein function. ClinVar contains an entry for this variant (Variation ID: 826611). This variant has not been reported in the literature in individuals affected with PHOX2B-related conditions. This variant is not present in population databases (gnomAD no frequency). This sequence change replaces alanine, which is neutral and non-polar, with threonine, which is neutral and polar, at codon 226 of the PHOX2B protein (p.Ala226Thr).